The following is an entry in ClinVar:

NM_001371623.1(TCOF1):c.1298C>T (p.Ala433Val)

Gene: TCOF1 (treacle ribosome biogenesis factor 1; plus strand). Cytogenetic location: 5q32.
Variant type: single nucleotide variant.
Coding change: c.1298C>T on transcript NM_001371623.1 (MANE Select); coding-DNA position 1298, C replaced by T.
Protein change: p.Ala433Val; replaces alanine 433 with valine.
Molecular consequence: missense variant.
Genome position (GRCh38, 1-based): chr5:150,374,973, C>T. VCF-style: chr5-150374973-C-T. GRCh37 (hg19) VCF-style: chr5-149754536-C-T.
Other names: c.1067C>T, p.Ala356Val (NM_000356.4, NM_001135245.2); c.1298C>T, p.Ala433Val (NM_001008657.3, NM_001135243.2, NM_001135244.2 and 1 more transcripts); short protein forms A433V, A356V.
Identifiers: ClinVar variation 2461656 (VCV002461656.8), dbSNP rs375265976, ClinGen allele CA3510826.
Genomic context (GRCh38, chr5:150,374,973, plus strand): 5'-CCACCCTCTGGGCTCTCCCCTCATCCTGTTTCTCACTCCAGGCGAAGCCTTCAGGGAAGG[C>T]CCCCCAGGTCAGAGCCGCCTCGGCCCCTGCCAAGGAGTCCCCCAGGAAAGGGGCTGCCCC-3'
Protein context (NP_001358552.1, residues 423-443): APAQAKPSGK[Ala433Val]PQVRAASAPA

ClinVar aggregate classification (germline): Conflicting classifications of pathogenicity. Review status: criteria provided, conflicting classifications (1 of 4 stars). 4 submissions from 4 submitters: Uncertain significance (3); Likely benign (1). Last evaluated 2026-03-30.

Conditions:
TCOF1-related disorder. Also called: TCOF1-related condition.
Treacher Collins syndrome 1 (TCS1). Also called: TCOF1-Related Treacher Collins Syndrome. Identifiers: Orphanet 861, MedGen CN315775, MONDO:0007944, OMIM 154500.
Inborn genetic diseases. Identifiers: MedGen C0950123, MeSH D030342.

Allele frequency attached by ClinVar (database versions not stated): ExAC 0.00004; TOPMed 0.00005; gnomAD 0.00006; ESP Exome Variant Server 0.00008.

Submissions (4):

PreventionGenetics, part of Exact Sciences
Classification: Uncertain significance for TCOF1-related condition. Last evaluated: 2026-03-30. Review status: criteria provided, single submitter. Criteria: ACMG Guidelines, 2015. Collection method: clinical testing. Allele origin: germline.
Comment: The TCOF1 c.1298C>T variant is predicted to result in the amino acid substitution p.Ala433Val. To our knowledge, this variant has not been reported in the literature. This variant is reported in 0.0083% of alleles in individuals of African descent in gnomAD. At this time, the clinical significance of this variant is uncertain due to the absence of conclusive functional and genetic evidence.

Labcorp Genetics (formerly Invitae), Labcorp
Classification: Likely benign for Treacher Collins syndrome 1. Last evaluated: 2025-09-30. Review status: criteria provided, single submitter. Criteria: Invitae Variant Classification Sherloc (09022015). Collection method: clinical testing. Allele origin: germline.

Ambry Genetics
Classification: Uncertain significance for Inborn genetic diseases. Last evaluated: 2025-08-04. Review status: criteria provided, single submitter. Criteria: Ambry Variant Classification Scheme 2023. Collection method: clinical testing. Allele origin: germline.

GeneDx
Classification: Uncertain significance. Last evaluated: 2024-09-05. Review status: criteria provided, single submitter. Criteria: GeneDx Variant Classification Process June 2021. Collection method: clinical testing. Allele origin: germline. Affected: yes.
Comment: In silico analysis indicates that this missense variant does not alter protein structure/function; Has not been previously published as pathogenic or benign to our knowledge